The following is an entry in ClinVar:

NM_004446.3(EPRS1):c.4389-5T>G

Gene: EPRS1 (glutamyl-prolyl-tRNA synthetase 1; minus strand). Cytogenetic location: 1q41.
Variant type: single nucleotide variant.
Coding change: c.4389-5T>G on transcript NM_004446.3 (MANE Select); 5 bases into the intron before coding-DNA position 4389, T replaced by G.
Molecular consequence: intron variant.
Genome position (GRCh38, 1-based): chr1:219,968,961, A>C on the plus strand (T>G on the coding strand, the complement: EPRS1 is on the minus strand). VCF-style: chr1-219968961-A-C. GRCh37 (hg19) VCF-style: chr1-220142303-A-C.
Identifiers: ClinVar variation 3089881 (VCV003089881.1), dbSNP rs892388297, ClinGen allele CA37526770.
Genomic context (GRCh38, chr1:219,968,961, plus strand): 5'-GGATGCAAAGGCTTTTAGCTCCCATGGATGGAGCACCAGGTTCAAGATCTTGATCCCTGA[A>C]ATTAATAACAAATAAGAATTCCACTCATTTATGCTGCAAATTGCTATTCCTTTCCATTGC-3'

ClinVar aggregate classification (germline): Uncertain significance (1 of 4 stars; one submission).

Conditions:
Inborn genetic diseases. Identifiers: MedGen C0950123, MeSH D030342.

Allele frequency attached by ClinVar (database versions not stated): gnomAD exomes below 0.00001; TOPMed below 0.00001.
gnomAD v4.1: 3 of 1,613,982 alleles (0.00019%); highest among the groups gnomAD compares: Non-Finnish European, 0.00025%; no homozygotes.

Submission:

Ambry Genetics
Classification: Uncertain significance for Inborn genetic diseases. Last evaluated: 2021-04-28. Review status: criteria provided, single submitter. Criteria: Ambry Variant Classification Scheme 2023. Collection method: clinical testing. Allele origin: germline.
Comment: The c.4389-5T>G intronic alteration consists of a T to G substitution 5 nucleotides before coding exon 32 in the EPRS gene. Based on insufficient or conflicting evidence, the clinical significance of this alteration remains unclear.